The following is an entry in ClinVar:

ClinVar aggregate classification (germline): Pathogenic/Likely pathogenic. Review status: criteria provided, multiple submitters, no conflicts (2 of 4 stars). 3 submissions from 3 submitters: Pathogenic (1); Likely pathogenic (2). Last evaluated 2022-11-04.

Conditions:
Inborn genetic diseases. Identifiers: MedGen C0950123, MeSH D030342.
Joubert syndrome 15 (JBTS15). Identifiers: Orphanet 475, MedGen C3280897, MONDO:0013763, OMIM 614464.

Allele frequency attached by ClinVar (database versions not stated): gnomAD 0.00001; gnomAD exomes 0.00001; TOPMed 0.00001; ExAC 0.00002; ESP Exome Variant Server 0.00008.
gnomAD v4.1: 21 of 1,613,724 alleles (0.0013%); highest among the groups gnomAD compares: East Asian, 0.0022%; no homozygotes.

Submissions (3):

Labcorp Genetics (formerly Invitae), Labcorp
Classification: Pathogenic for Joubert syndrome 15. Last evaluated: 2022-11-04. Review status: criteria provided, single submitter. Criteria: Invitae Variant Classification Sherloc (09022015). Collection method: clinical testing. Allele origin: germline.
Comment: This variant has not been reported in the literature in individuals affected with CEP41-related conditions. For these reasons, this variant has been classified as Pathogenic. This variant is present in population databases (rs139123547, gnomAD 0.005%). This sequence change creates a premature translational stop signal (p.Arg286*) in the CEP41 gene. It is expected to result in an absent or disrupted protein product. Loss-of-function variants in CEP41 are known to be pathogenic (PMID: 22246503).

Ambry Genetics
Classification: Likely pathogenic for Inborn genetic diseases. Last evaluated: 2020-10-05. Review status: criteria provided, single submitter. Criteria: Ambry Variant Classification Scheme 2023. Collection method: clinical testing. Allele origin: germline.
Comment: The c.856C>T (p.R286*) alteration, located in coding exon 10 of the CEP41 gene, consists of a C to T substitution at nucleotide position 856. This changes the amino acid from an arginine (R) to a stop codon at amino acid position 286. This alteration is expected to result in loss of function by premature protein truncation or nonsense-mediated mRNA decay. Based on the available evidence, this alteration is classified as likely pathogenic.

Neuberg Centre For Genomic Medicine, NCGM
Classification: Likely pathogenic for Joubert syndrome 15. Review status: criteria provided, single submitter. Criteria: ACMG Guidelines, 2015. Collection method: clinical testing. Allele origin: germline. Affected: yes.
Comment: The stop gained p.R286* in CEP41 (NM_018718.3) has not been reported previously as a pathogenic variant nor as a benign variant, to our knowledge. It is present in the penultimate exon but further downstream loss of function variants have been reported, thus supporting occurence of nonsense mediated decay. The p.R286* variant is observed in 1/18,394 (0.0054%) alleles from individuals of East Asian background in gnomAD Exomes and is novel (not in any individuals) in 1000 Genomes. For these reasons, this variant has been classified as Likely Pathogenic.

Literature cited by the submitters: PubMed 22246503 (cited by Labcorp Genetics (formerly Invitae), Labcorp).

NM_018718.3(CEP41):c.856C>T (p.Arg286Ter)

Gene: CEP41 (centrosomal protein 41; minus strand). Cytogenetic location: 7q32.2.
Variant type: single nucleotide variant.
Coding change: c.856C>T on transcript NM_018718.3 (MANE Select); coding-DNA position 856, C replaced by T.
Protein change: p.Arg286Ter; replaces arginine 286 with a stop codon.
Molecular consequence: nonsense. On other transcripts: non-coding transcript variant (1), intron variant (2).
Genome position (GRCh38, 1-based): chr7:130,400,156, G>A on the plus strand (C>T on the coding strand, the complement: CEP41 is on the minus strand). VCF-style: chr7-130400156-G-A. GRCh37 (hg19) VCF-style: chr7-130039997-G-A.
Other names: c.709+551C>T (NM_001257159.2); c.757+551C>T (NM_001257158.2); c.856C>T (NM_018718.1); short protein forms R286*.
Identifiers: ClinVar variation 1878640 (VCV001878640.7), dbSNP rs139123547, ClinGen allele CA4485448.
Genomic context (GRCh38, chr7:130,400,156, plus strand): 5'-CTTCTGGGGTAAATCTCCATTTATTCTCAGCTGGTAGGGGTGGCCCTTTGGGGCTGGATC[G>A]TTTCCGGGCAGACCCAGGAGGAAGGGCCTGCTGGCAAGATGCTGGCAGGGAACCAGTAAT-3'